The following is an entry in ClinVar:

NM_014112.5(TRPS1):c.3461_3462del (p.Tyr1154fs)

Gene: TRPS1 (transcriptional repressor GATA binding 1; minus strand). Cytogenetic location: 8q23.3.
Variant type: Deletion.
Coding change: c.3461_3462del on transcript NM_014112.5 (MANE Select); coding-DNA positions 3461 to 3462, 2 bases deleted (AT; older notation c.3461_3462delAT).
Protein change: p.Tyr1154fs; shifts the reading frame from tyrosine 1154.
Molecular consequence: frameshift variant.
Genome position (GRCh38, 1-based): chr8:115,414,446-115,414,447, AT deleted on the plus strand (AT on the coding strand, the reverse complement: TRPS1 is on the minus strand); deleting any 2 consecutive bases within chr8:115,414,446-115,414,448 gives the same sequence; the c. name uses the placement nearest the transcript's 3' end. VCF-style (leftmost placement, unchanged base first): chr8-115414445-CAT-C. GRCh37 (hg19) VCF-style: chr8-116426673-CAT-C.
Other names: c.3434_3435del, p.Tyr1145fs (NM_001282902.3); c.3440_3441del, p.Tyr1147fs (NM_001282903.3); c.3422_3423del, p.Tyr1141fs (NM_001330599.2); short protein forms Y1141fs, Y1145fs, Y1147fs, Y1154fs.
Identifiers: ClinVar variation 3760052 (VCV003760052.2).

ClinVar aggregate classification (germline): Pathogenic (1 of 4 stars; one submission).

Conditions:
Trichorhinophalangeal dysplasia type I (TRPS1). Also called: TRICHORHINOPHALANGEAL SYNDROME, TYPE I; TRPS I. Identifiers: Orphanet 77258, MedGen C0432233, MONDO:0008596, OMIM 190350.
Trichorhinophalangeal syndrome, type III (TRPS3). Also called: SUGIO-KAJII SYNDROME. Identifiers: Orphanet 77258, MedGen C1860823, OMIM 190351, MONDO:0008597.

Submission:

Labcorp Genetics (formerly Invitae), Labcorp
Classification: Pathogenic for Trichorhinophalangeal syndrome, type III; Trichorhinophalangeal dysplasia type I. Last evaluated: 2024-12-14. Review status: criteria provided, single submitter. Criteria: Invitae Variant Classification Sherloc (09022015). Collection method: clinical testing. Allele origin: germline.
Comment: This sequence change creates a premature translational stop signal (p.Tyr1154Cysfs*20) in the TRPS1 gene. While this is not anticipated to result in nonsense mediated decay, it is expected to disrupt the last 141 amino acid(s) of the TRPS1 protein. This variant is not present in population databases (gnomAD no frequency). This variant has not been reported in the literature in individuals affected with TRPS1-related conditions. This variant disrupts a region of the TRPS1 protein in which other variant(s) (p.Thr1215Glnfs*27) have been determined to be pathogenic (PMID: 26113321). This suggests that this is a clinically significant region of the protein, and that variants that disrupt it are likely to be disease-causing. For these reasons, this variant has been classified as Pathogenic.

Literature cited by the submitters: PubMed 26113321.